The following is an entry in ClinVar:

NM_000053.4(ATP7B):c.1345A>G (p.Thr449Ala)

Gene: ATP7B (ATPase copper transporting beta; minus strand). Cytogenetic location: 13q14.3.
Variant type: single nucleotide variant.
Coding change: c.1345A>G on transcript NM_000053.4 (MANE Select); coding-DNA position 1345, A replaced by G.
Protein change: p.Thr449Ala; replaces threonine 449 with alanine.
Molecular consequence: missense variant. On other transcripts: intron variant (1).
Genome position (GRCh38, 1-based): chr13:51,970,690, T>C on the plus strand (A>G on the coding strand, the complement: ATP7B is on the minus strand). VCF-style: chr13-51970690-T-C. GRCh37 (hg19) VCF-style: chr13-52544826-T-C.
Other names: c.1345A>G, p.Thr449Ala (NM_001406511.1, NM_001406512.1, NM_001005918.3 and 28 more transcripts); c.1012A>G, p.Thr338Ala (NM_001243182.2); c.1249A>G, p.Thr417Ala (NM_001406530.1, NM_001406543.1, NM_001406544.1 and 3 more transcripts); c.1285+3245A>G (NM_001406548.1); c.916A>G, p.Thr306Ala (NM_001406539.1); short protein forms T306A, T338A, T417A, T449A.
Identifiers: ClinVar variation 3385664 (VCV003385664.1).

ClinVar aggregate classification (germline): Uncertain significance (1 of 4 stars; one submission).

Conditions:
Wilson disease (WND). Also called: Wilson's disease. Identifiers: Orphanet 905, MedGen C0019202, MONDO:0010200, OMIM 277900. Disease mechanism: loss of function.

gnomAD v4.1: 1 of 1,614,198 alleles (0.000062%); highest among the groups gnomAD compares: Non-Finnish European, 0.000085%; no homozygotes.

Submission:

All of Us Research Program, National Institutes of Health
Classification: Uncertain significance for Wilson disease. Last evaluated: 2024-05-14. Review status: criteria provided, single submitter. Criteria: ACMG Guidelines, 2015. Collection method: clinical testing. Allele origin: germline. Inheritance: Autosomal recessive inheritance. Observed: 1 variant allele, 1 heterozygote.
Comment: This missense variant replaces threonine with alanine at codon 449 of the ATP7B protein. Computational prediction suggests that this variant may not impact protein structure and function (internally defined REVEL score threshold <= 0.5, PMID: 27666373). To our knowledge, functional studies have not been reported for this variant. This variant has not been reported in individuals affected with ATP7B-related disorders in the literature. This variant has not been identified in the general population by the Genome Aggregation Database (gnomAD). The available evidence is insufficient to determine the role of this variant in disease conclusively. Therefore, this variant is classified as a Variant of Uncertain Significance.

This study involves interpretation of variants in research participants for the purpose of population health screening. Participant phenotype was not available at the time of variant classification. Additional details can be found in publication PMID: 35346344, PMCID: PMC8962531